The following is an entry in ClinVar:

NM_000038.6(APC):c.3291A>G (p.Glu1097=)

Gene: APC (APC regulator of Wnt signaling pathway; plus strand). Cytogenetic location: 5q22.2.
Variant type: single nucleotide variant.
Coding change: c.3291A>G on transcript NM_000038.6 (MANE Select); coding-DNA position 3291, A replaced by G.
Protein change: p.Glu1097=; no amino-acid change (glutamic acid 1097 retained).
Molecular consequence: synonymous variant. On other transcripts: non-coding transcript variant (2).
Genome position (GRCh38, 1-based): chr5:112,838,885, A>G. VCF-style: chr5-112838885-A-G. GRCh37 (hg19) VCF-style: chr5-112174582-A-G.
Other names: c.3291A>G (NM_000038.5); c.3291A>G, p.Glu1097= (NM_001127510.3, NM_001354895.2, NM_001407450.1); c.3237A>G, p.Glu1079= (NM_001127511.3); c.3345A>G, p.Glu1115= (NM_001354896.2, NM_001407447.1, NM_001407448.1 and 1 more transcripts); c.3321A>G, p.Glu1107= (NM_001354897.2); c.3216A>G, p.Glu1072= (NM_001354898.2); c.3207A>G, p.Glu1069= (NM_001354899.2); c.3168A>G, p.Glu1056= (NM_001354900.2); and 12 more.
Identifiers: ClinVar variation 2954632 (VCV002954632.5), dbSNP rs2149888846, ClinGen allele CA445963576.

ClinVar aggregate classification (germline): Benign/Likely benign. Review status: criteria provided, multiple submitters, no conflicts (2 of 4 stars). 3 submissions from 3 submitters: Benign (1); Likely benign (2). Last evaluated 2025-07-09.

Conditions:
Hereditary cancer-predisposing syndrome. Also called: Tumor predisposition; Hereditary neoplastic syndrome; Neoplastic Syndromes, Hereditary; Hereditary Cancer Syndrome. Identifiers: Orphanet 140162, MedGen C0027672, MeSH D009386, MONDO:0015356.
Familial adenomatous polyposis 1 (FAP1). Also called: POLYPOSIS, ADENOMATOUS INTESTINAL; FAMILIAL ADENOMATOUS POLYPOSIS 1, ATTENUATED. Identifiers: MedGen C2713442, MONDO:0021056, OMIM 175100. Disease mechanism: loss of function.

Submissions (3):

Labcorp Genetics (formerly Invitae), Labcorp
Classification: Likely benign for Familial adenomatous polyposis 1. Last evaluated: 2025-07-09. Review status: criteria provided, single submitter. Criteria: Invitae Variant Classification Sherloc (09022015). Collection method: clinical testing. Allele origin: germline.

Ambry Genetics
Classification: Likely benign for Hereditary cancer-predisposing syndrome. Last evaluated: 2024-08-05. Review status: criteria provided, single submitter. Criteria: Ambry Variant Classification Scheme 2023. Collection method: clinical testing. Allele origin: germline.

Myriad Genetics, Inc.
Classification: Benign for Familial adenomatous polyposis 1. Last evaluated: 2024-03-18. Review status: criteria provided, single submitter. Criteria: Myriad Autosomal Dominant, Autosomal Recessive and X-Linked Classification Criteria (2023). Collection method: clinical testing. Allele origin: unknown.
Comment: This variant is considered benign. This variant is a silent/synonymous amino acid change and it is not expected to impact splicing.